The following is an entry in ClinVar:

NM_012199.5(AGO1):c.1111C>T (p.Pro371Ser)

Gene: AGO1 (argonaute RISC component 1; plus strand). Cytogenetic location: 1p34.3.
Variant type: single nucleotide variant.
Coding change: c.1111C>T on transcript NM_012199.5 (MANE Select); coding-DNA position 1111, C replaced by T.
Protein change: p.Pro371Ser; replaces proline 371 with serine.
Molecular consequence: missense variant.
Genome position (GRCh38, 1-based): chr1:35,901,564, C>T. VCF-style: chr1-35901564-C-T. GRCh37 (hg19) VCF-style: chr1-36367165-C-T.
Other names: c.1111C>T, p.Pro371Ser (NM_001317122.2); c.886C>T, p.Pro296Ser (NM_001317123.2); short protein forms P296S, P371S.
Identifiers: ClinVar variation 1305114 (VCV001305114.3), dbSNP rs2148715372, ClinGen allele CA339375428.

ClinVar aggregate classification (germline): Uncertain significance (1 of 4 stars; one submission).

Submission:

GeneDx
Classification: Uncertain significance. Last evaluated: 2025-08-03. Review status: criteria provided, single submitter. Criteria: GeneDx Variant Classification Process June 2021. Collection method: clinical testing. Allele origin: germline. Affected: yes.
Comment: Not observed at significant frequency in large population cohorts (gnomAD); In silico analysis supports that this missense variant has a deleterious effect on protein structure/function; Has not been previously published as pathogenic or benign to our knowledge